The following is an entry in ClinVar:

ClinVar aggregate classification (germline): Uncertain significance (1 of 4 stars; one submission).

Conditions:
Emery-Dreifuss muscular dystrophy 4, autosomal dominant (EDMD4). Also called: EMERY-DREIFUSS MUSCULAR DYSTROPHY 4 WITH VARIABLE FEATURES. Identifiers: Orphanet 261, MedGen C2751807, MONDO:0013071, OMIM 612998.
Autosomal recessive ataxia, Beauce type. Also called: Spinocerebellar ataxia, autosomal recessive 8; ATAXIA, RECESSIVE, OF BEAUCE; SYNE1-Related Autosomal Recessive Cerebellar Ataxia; SYNE1 Deficiency. Identifiers: Orphanet 88644, MedGen C1853116, MONDO:0012549, OMIM 610743.

Allele frequency attached by ClinVar (database versions not stated): ExAC 0.00001; gnomAD exomes 0.00001; TOPMed 0.00002.
gnomAD v4.1: 8 of 1,614,044 alleles (0.0005%); highest among the groups gnomAD compares: African/African-American, 0.0093%; no homozygotes.

Submission:

Labcorp Genetics (formerly Invitae), Labcorp
Classification: Uncertain significance for Emery-Dreifuss muscular dystrophy 4, autosomal dominant; Autosomal recessive ataxia, Beauce type. Last evaluated: 2021-12-15. Review status: criteria provided, single submitter. Criteria: Invitae Variant Classification Sherloc (09022015). Collection method: clinical testing. Allele origin: germline.
Comment: In summary, the available evidence is currently insufficient to determine the role of this variant in disease. Therefore, it has been classified as a Variant of Uncertain Significance. Algorithms developed to predict the effect of missense changes on protein structure and function are either unavailable or do not agree on the potential impact of this missense change (SIFT: "Deleterious"; PolyPhen-2: "Benign"; Align-GVGD: "Class C15"). This sequence change replaces glutamic acid, which is acidic and polar, with lysine, which is basic and polar, at codon 2542 of the SYNE1 protein (p.Glu2542Lys). This variant is present in population databases (rs764800126, gnomAD 0.008%). This variant has not been reported in the literature in individuals affected with SYNE1-related conditions. ClinVar contains an entry for this variant (Variation ID: 650626).

NM_182961.4(SYNE1):c.7603G>A (p.Glu2535Lys)

Gene: SYNE1 (spectrin repeat containing nuclear envelope protein 1; minus strand). Cytogenetic location: 6q25.2.
Variant type: single nucleotide variant.
Coding change: c.7603G>A on transcript NM_182961.4 (MANE Select); coding-DNA position 7603, G replaced by A.
Protein change: p.Glu2535Lys; replaces glutamic acid 2535 with lysine.
Molecular consequence: missense variant.
Genome position (GRCh38, 1-based): chr6:152,395,625, C>T on the plus strand (G>A on the coding strand, the complement: SYNE1 is on the minus strand). VCF-style: chr6-152395625-C-T. GRCh37 (hg19) VCF-style: chr6-152716760-C-T.
Other names: c.7624G>A, p.Glu2542Lys (NM_033071.5); short protein forms E2535K, E2542K.
Identifiers: ClinVar variation 650626 (VCV000650626.8), dbSNP rs764800126, ClinGen allele CA4057774.
Genomic context (GRCh38, chr6:152,395,625, plus strand): 5'-TTTTCTTCTCAGGAATGTGCTGTTTACTCTCTCCCAAGTTTTCCGTATTGAACCTTTCTT[C>T]CATTTCATGGATCCATAAGTTCAGTTTTCTGTGCTGATCTTCAAAGCTAAGGGAAAGAAA-3'
Protein context (NP_892006.3, residues 2525-2545): RKLNLWIHEM[Glu2535Lys]ERFNTENLGE